The following is an entry in ClinVar:

ClinVar aggregate classification (germline): Uncertain significance (1 of 4 stars; one submission).

Conditions:
Hereditary cancer-predisposing syndrome. Also called: Hereditary Cancer Syndrome; Neoplastic Syndromes, Hereditary; Tumor predisposition; Hereditary neoplastic syndrome. Identifiers: Orphanet 140162, MedGen C0027672, MeSH D009386, MONDO:0015356.

gnomAD v4.1: 1 of 1,614,140 alleles (0.000062%); highest among the groups gnomAD compares: Non-Finnish European, 0.000085%; no homozygotes.

Submission:

Ambry Genetics
Classification: Uncertain significance for Hereditary cancer-predisposing syndrome. Last evaluated: 2026-06-25. Review status: criteria provided, single submitter. Criteria: Ambry Variant Classification Scheme 2023. Collection method: clinical testing. Allele origin: germline.
Comment: The p.T498I variant (also known as c.1493C>T), located in coding exon 7 of the ALK gene, results from a C to T substitution at nucleotide position 1493. The threonine at codon 498 is replaced by isoleucine, an amino acid with similar properties. This amino acid position is conserved. In addition, this alteration is predicted to be tolerated by in silico analysis. Based on the available evidence, the clinical significance of this variant remains unclear.

NM_004304.5(ALK):c.1493C>T (p.Thr498Ile)

Gene: ALK (ALK receptor tyrosine kinase; minus strand). Cytogenetic location: 2p23.2.
Variant type: single nucleotide variant.
Coding change: c.1493C>T on transcript NM_004304.5 (MANE Select); coding-DNA position 1493, C replaced by T.
Protein change: p.Thr498Ile; replaces threonine 498 with isoleucine.
Molecular consequence: missense variant.
Genome position (GRCh38, 1-based): chr2:29,320,804, G>A on the plus strand (C>T on the coding strand, the complement: ALK is on the minus strand). VCF-style: chr2-29320804-G-A. GRCh37 (hg19) VCF-style: chr2-29543670-G-A.
Other names: short protein forms T498I.
Identifiers: ClinVar variation 5035056 (VCV005035056.1).
Genomic context (GRCh38, chr2:29,320,804, plus strand): 5'-GTAGTACCTTGGTGGTCCTGGAACCGGGCATCCTTTAGGGTCCTGACCTGCCATTGAGGA[G>A]TGTGGGGTGACAGTGTGCCTTGGGTCCAGCCACAGAAGCCATCTTCAAAGTTGCAGTAAA-3'
Protein context (NP_004295.2, residues 488-508): GWTQGTLSPH[Thr498Ile]PQWQVRTLKD